The following is an entry in ClinVar:

NM_003722.5(TP63):c.1507+8C>T

Gene: TP63 (tumor protein p63; plus strand). Cytogenetic location: 3q28.
Variant type: single nucleotide variant.
Coding change: c.1507+8C>T on transcript NM_003722.5 (MANE Select); 8 bases into the intron after coding-DNA position 1507, C replaced by T.
Molecular consequence: intron variant.
Genome position (GRCh38, 1-based): chr3:189,886,559, C>T. VCF-style: chr3-189886559-C-T. GRCh37 (hg19) VCF-style: chr3-189604348-C-T.
Other names: c.1501+8C>T (NM_001329964.2); c.1507+8C>T (NM_001114978.2, NM_001329144.2); c.1495+8C>T (NM_001329148.2); c.1225+8C>T (NM_001114980.2, NM_001114981.2, NM_001329145.2); c.1213+8C>T (NM_001329149.2); c.970+8C>T (NM_001329146.2); c.958+8C>T (NM_001329150.2).
Identifiers: ClinVar variation 3032396 (VCV003032396.2), dbSNP rs1340352017, ClinGen allele CA548484447.
Genomic context (GRCh38, chr3:189,886,559, plus strand): 5'-GCAGCGCAACGCCCTCACTCCTACAACCATTCCTGATGGCATGGGAGCCAACAGTAAGAG[C>T]ATCTCCTTTTAGCTGTGGCTGAAGGATGAACAGGCTAGCTTAGGACAAGACTCTGTGATG-3'

ClinVar aggregate classification (germline): Likely benign (0 of 4 stars; one submission).

Conditions:
TP63-related disorder. Also called: TP63-Related Disorders; TP63-related condition. Identifiers: MedGen CN380159.

Allele frequency attached by ClinVar (database versions not stated): gnomAD exomes below 0.00001.
gnomAD v4.1: 1 of 1,613,852 alleles (0.000062%); highest among the groups gnomAD compares: Admixed American, 0.0017%; no homozygotes.

Submission:

PreventionGenetics, part of Exact Sciences
Classification: Likely benign for TP63-related condition. Last evaluated: 2020-10-23. Review status: no assertion criteria provided. Collection method: clinical testing. Allele origin: germline.
Comment: This variant is classified as likely benign based on ACMG/AMP sequence variant interpretation guidelines (Richards et al. 2015 PMID: 25741868, with internal and published modifications).